The following is an entry in ClinVar:

ClinVar aggregate classification (germline): Uncertain significance (1 of 4 stars; one submission).

Conditions:
Intellectual developmental disorder, autosomal dominant 64. Also called: MENTAL RETARDATION, AUTOSOMAL DOMINANT 64. Identifiers: MedGen C5543067, MONDO:0030934, OMIM 619188.

Submission:

Laboratorio de Genetica e Diagnostico Molecular, Hospital Israelita Albert Einstein
Classification: Uncertain significance for Intellectual developmental disorder, autosomal dominant 64. Last evaluated: 2022-05-16. Review status: criteria provided, single submitter. Criteria: ACMG Guidelines, 2015. Collection method: clinical testing. Allele origin: germline. Affected: yes.
Comment: ACMG classification criteria: PM2 moderated, BP4 supporting

NM_015021.3(ZNF292):c.3790C>T (p.Pro1264Ser)

Gene: ZNF292 (zinc finger protein 292; plus strand). Cytogenetic location: 6q14.3.
Variant type: single nucleotide variant.
Coding change: c.3790C>T on transcript NM_015021.3 (MANE Select); coding-DNA position 3790, C replaced by T.
Protein change: p.Pro1264Ser; replaces proline 1264 with serine.
Molecular consequence: missense variant.
Genome position (GRCh38, 1-based): chr6:87,257,419, C>T. VCF-style: chr6-87257419-C-T. GRCh37 (hg19) VCF-style: chr6-87967137-C-T.
Other names: c.3370C>T, p.Pro1124Ser (NM_001351444.2); short protein forms P1124S, P1264S.
Identifiers: ClinVar variation 2431845 (VCV002431845.2), dbSNP rs2482318759, ClinGen allele CA364924133.